The following is an entry in ClinVar:

NM_000417.3(IL2RA):c.753C>T (p.Ile251=)

Gene: IL2RA (interleukin 2 receptor subunit alpha; minus strand). Cytogenetic location: 10p15.1.
Variant type: single nucleotide variant.
Coding change: c.753C>T on transcript NM_000417.3 (MANE Select); coding-DNA position 753, C replaced by T.
Protein change: p.Ile251=; no amino-acid change (isoleucine 251 retained).
Molecular consequence: synonymous variant.
Genome position (GRCh38, 1-based): chr10:6,018,094, G>A on the plus strand (C>T on the coding strand, the complement: IL2RA is on the minus strand). VCF-style: chr10-6018094-G-A. GRCh37 (hg19) VCF-style: chr10-6060057-G-A.
Other names: p.Ile251=; c.537C>T, p.Ile179= (NM_001308242.2); c.465C>T, p.Ile155= (NM_001308243.2).
Identifiers: ClinVar variation 300251 (VCV000300251.17), dbSNP rs12722698, ClinGen allele CA5397315.

ClinVar aggregate classification (germline): Benign. Review status: criteria provided, multiple submitters, no conflicts (2 of 4 stars). 4 submissions from 4 submitters: Benign (4). Last evaluated 2026-02-04.

Conditions:
Immunodeficiency due to CD25 deficiency. Also called: IMMUNODEFICIENCY 41 WITH LYMPHOPROLIFERATION AND AUTOIMMUNITY; CD25 DEFICIENCY; IL2RA DEFICIENCY. Identifiers: Orphanet 169100, MedGen C1853392, MONDO:0011664, OMIM 606367.

Allele frequency attached by ClinVar (database versions not stated): gnomAD exomes 0.00156 and 0.00451; ExAC 0.00552; gnomAD 0.01702 and 0.01814; TOPMed 0.01842; 1000 Genomes Project 0.01877; ESP Exome Variant Server 0.01899; 1000 Genomes Project 30x 0.02077.
gnomAD v4.1: 4,951 of 1,613,914 alleles (0.31%); highest among the groups gnomAD compares: African/African-American, 5.9%; 136 homozygotes.

Submissions (4):

Labcorp Genetics (formerly Invitae), Labcorp
Classification: Benign for Immunodeficiency due to CD25 deficiency. Last evaluated: 2026-02-04. Review status: criteria provided, single submitter. Criteria: Invitae Variant Classification Sherloc (09022015). Collection method: clinical testing. Allele origin: germline.

Mayo Clinic Laboratories, Mayo Clinic
Classification: Benign. Last evaluated: 2020-03-23. Review status: criteria provided, single submitter. Criteria: ACMG Guidelines, 2015. Collection method: clinical testing. Allele origin: germline. Observed: 14 variant alleles.

Illumina Laboratory Services, Illumina
Classification: Benign for Immunodeficiency due to CD25 deficiency. Last evaluated: 2018-01-13. Review status: criteria provided, single submitter. Criteria: ICSL Variant Classification Criteria 13 December 2019. Collection method: clinical testing. Allele origin: germline.
Comment: This variant was observed in the ICSL laboratory as part of a predisposition screen in an ostensibly healthy population. It had not been previously curated by ICSL or reported in the Human Gene Mutation Database (HGMD: prior to June 1st, 2018), and was therefore a candidate for classification through an automated scoring system. Utilizing variant allele frequency, disease prevalence and penetrance estimates, and inheritance mode, an automated score was calculated to assess if this variant is too frequent to cause the disease. Based on the score and internal cut-off values, a variant classified as benign is not then subjected to further curation. The score for this variant resulted in a classification of benign for this disease.

Breakthrough Genomics
Classification: Benign. Review status: criteria provided, single submitter. Criteria: ACMG Guidelines, 2015. Collection method: not provided. Allele origin: germline. Inheritance: Autosomal recessive inheritance. Affected: yes.